The following is an entry in ClinVar:

NM_012424.6(RPS6KC1):c.640A>G (p.Ser214Gly)

Gene: RPS6KC1 (ribosomal protein S6 kinase C1; plus strand). Cytogenetic location: 1q32.3.
Variant type: single nucleotide variant.
Coding change: c.640A>G on transcript NM_012424.6 (MANE Select); coding-DNA position 640, A replaced by G.
Protein change: p.Ser214Gly; replaces serine 214 with glycine.
Molecular consequence: missense variant. On other transcripts: 5 prime UTR variant (13), non-coding transcript variant (3), intron variant (5).
Genome position (GRCh38, 1-based): chr1:213,129,694, A>G. VCF-style: chr1-213129694-A-G. GRCh37 (hg19) VCF-style: chr1-213303037-A-G.
Other names: c.604A>G, p.Ser202Gly (NM_001136138.4); c.97A>G, p.Ser33Gly (NM_001287218.3, NM_001287219.3, NM_001287221.3 and 7 more transcripts); c.-575A>G (NM_001287220.3, NM_001349666.2, NM_001349667.2 and 4 more transcripts); c.640A>G, p.Ser214Gly (NM_001349646.2); c.-648A>G (NM_001349659.2); c.-568A>G (NM_001349660.2, NM_001349661.2, NM_001349662.2); c.-482A>G (NM_001349664.2, NM_001349670.2); c.-57+12284A>G (NM_001349658.2); and 4 more; short protein forms S33G, S202G, S214G.
Identifiers: ClinVar variation 4774656 (VCV004774656.1).

ClinVar aggregate classification (germline): Uncertain significance (1 of 4 stars; one submission).

gnomAD v4.1: 1 of 1,614,078 alleles (0.000062%); highest among the groups gnomAD compares: South Asian, 0.0011%; no homozygotes.

Submission:

Labcorp Genetics (formerly Invitae), Labcorp
Classification: Uncertain significance. Last evaluated: 2025-09-03. Review status: criteria provided, single submitter. Criteria: Invitae Variant Classification Sherloc (09022015). Collection method: clinical testing. Allele origin: germline.
Comment: This sequence change replaces serine, which is neutral and polar, with glycine, which is neutral and non-polar, at codon 214 of the RPS6KC1 protein (p.Ser214Gly). This variant is present in population databases (no rsID available, gnomAD 0.003%). This variant has not been reported in the literature in individuals affected with RPS6KC1-related conditions. An algorithm developed to predict the effect of missense changes on protein structure and function (PolyPhen-2) suggests that this variant is likely to be tolerated. In summary, the available evidence is currently insufficient to determine the role of this variant in disease. Therefore, it has been classified as a Variant of Uncertain Significance.